The following is an entry in ClinVar:

NM_002700.3(POU4F3):c.490C>T (p.Pro164Ser)

Genes: POU4F3 (POU class 4 homeobox 3; plus strand), RBM27-POU4F3 (RBM27-POU4F3 readthrough; plus strand). Cytogenetic location: 5q32.
Variant type: single nucleotide variant.
Coding change: c.490C>T on transcript NM_002700.3 (MANE Select); coding-DNA position 490, C replaced by T.
Protein change: p.Pro164Ser; replaces proline 164 with serine.
Molecular consequence: missense variant.
Genome position (GRCh38, 1-based): chr5:146,339,917, C>T. VCF-style: chr5-146339917-C-T. GRCh37 (hg19) VCF-style: chr5-145719480-C-T.
Other names: short protein forms P164S.
Identifiers: ClinVar variation 178526 (VCV000178526.19), dbSNP rs372436251, ClinGen allele CA182494.

ClinVar aggregate classification (germline): Uncertain significance. Review status: criteria provided, multiple submitters, no conflicts (2 of 4 stars). 5 submissions from 5 submitters: Uncertain significance (4). 1 of the submissions does not count toward it. Last evaluated 2025-08-09.

Conditions:
POU4F3-related disorder. Also called: POU4F3-related condition.
Inborn genetic diseases. Identifiers: MedGen C0950123, MeSH D030342.

Allele frequency attached by ClinVar (database versions not stated): gnomAD 0.00010 and 0.00014; TOPMed 0.00007; ESP Exome Variant Server 0.00015.

Submissions (5):

Ambry Genetics
Classification: Uncertain significance for Inborn genetic diseases. Last evaluated: 2025-08-09. Review status: criteria provided, single submitter. Criteria: Ambry Variant Classification Scheme 2023. Collection method: clinical testing. Allele origin: germline.

GeneDx
Classification: Uncertain significance. Last evaluated: 2025-08-06. Review status: criteria provided, single submitter. Criteria: GeneDx Variant Classification Process June 2021. Collection method: clinical testing. Allele origin: germline.
Comment: In silico analysis suggests that this missense variant does not alter protein structure/function; Has not been previously published as pathogenic or benign to our knowledge

Labcorp Genetics (formerly Invitae), Labcorp
Classification: Uncertain significance. Last evaluated: 2024-01-18. Review status: criteria provided, single submitter. Criteria: Invitae Variant Classification Sherloc (09022015). Collection method: clinical testing. Allele origin: germline.
Comment: This sequence change replaces proline, which is neutral and non-polar, with serine, which is neutral and polar, at codon 164 of the POU4F3 protein (p.Pro164Ser). This variant is present in population databases (rs372436251, gnomAD 0.08%), and has an allele count higher than expected for a pathogenic variant. This variant has not been reported in the literature in individuals affected with POU4F3-related conditions. ClinVar contains an entry for this variant (Variation ID: 178526). Advanced modeling of protein sequence and biophysical properties (such as structural, functional, and spatial information, amino acid conservation, physicochemical variation, residue mobility, and thermodynamic stability) performed at Invitae indicates that this missense variant is not expected to disrupt POU4F3 protein function with a negative predictive value of 80%. In summary, the available evidence is currently insufficient to determine the role of this variant in disease. Therefore, it has been classified as a Variant of Uncertain Significance.

Laboratory for Molecular Medicine, Mass General Brigham Personalized Medicine
Classification: Uncertain significance. Last evaluated: 2013-05-31. Review status: criteria provided, single submitter. Criteria: LMM Criteria. Collection method: clinical testing. Allele origin: germline. Observed: 1 variant allele.
Comment: Variant classified as Uncertain Significance - Favor Benign. The Pro164Ser varia nt in POU4F3 has not been reported in individuals with hearing loss, but has bee n identified in 0.02% (2/8598) of European American chromosomes by the NHLBI Exo me Sequencing Project. Although this varian t has been seen in the general population, its frequency is not high enough to r ule out a pathogenic role. Computational analyses (biochemical amino acid proper ties, conservation, AlignGVGD, PolyPhen2, and SIFT) suggest that the Pro164Ser v ariant may not impact the protein, though this information is not predictive eno ugh to rule out pathogenicity. In summary, the clinical significance of this var iant cannot be determined with certainty; however, based upon the computational data, we lean towards a more likely benign role.

PreventionGenetics, part of Exact Sciences
Classification: Likely benign for POU4F3-related condition. Last evaluated: 2024-08-24. Review status: no assertion criteria provided. Collection method: clinical testing. Allele origin: germline. Not counted in ClinVar's aggregate classification.
Comment: This variant is classified as likely benign based on ACMG/AMP sequence variant interpretation guidelines (Richards et al. 2015 PMID: 25741868, with internal and published modifications).